The following is an entry in ClinVar:

NM_001367624.2(ZNF469):c.8992C>T (p.Arg2998Ter)

Gene: ZNF469 (zinc finger protein 469; plus strand). Cytogenetic location: 16q24.2.
Variant type: single nucleotide variant.
Coding change: c.8992C>T on transcript NM_001367624.2 (MANE Select); coding-DNA position 8992, C replaced by T.
Protein change: p.Arg2998Ter; replaces arginine 2998 with a stop codon.
Molecular consequence: nonsense.
Genome position (GRCh38, 1-based): chr16:88,436,462, C>T. VCF-style: chr16-88436462-C-T. GRCh37 (hg19) VCF-style: chr16-88502870-C-T.
Other names: short protein forms R2998*.
Identifiers: ClinVar variation 1960318 (VCV001960318.5), dbSNP rs1906581372, ClinGen allele CA397120085.

ClinVar aggregate classification (germline): Pathogenic (1 of 4 stars; one submission).

Allele frequency attached by ClinVar (database versions not stated): gnomAD exomes below 0.00001.
gnomAD v4.1: 3 of 1,546,832 alleles (0.00019%); highest among the groups gnomAD compares: Non-Finnish European, 0.000087%; no homozygotes.

Submission:

Labcorp Genetics (formerly Invitae), Labcorp
Classification: Pathogenic. Last evaluated: 2022-07-29. Review status: criteria provided, single submitter. Criteria: Invitae Variant Classification Sherloc (09022015). Collection method: clinical testing. Allele origin: germline.
Comment: This sequence change creates a premature translational stop signal (p.Arg2970*) in the ZNF469 gene. While this is not anticipated to result in nonsense mediated decay, it is expected to disrupt the last 956 amino acid(s) of the ZNF469 protein. This variant is not present in population databases (gnomAD no frequency). This variant has not been reported in the literature in individuals affected with ZNF469-related conditions. This variant disrupts a region of the ZNF469 protein in which other variant(s) (p.Arg3414Glyfs*59) have been determined to be pathogenic (PMID: 32671420). This suggests that this is a clinically significant region of the protein, and that variants that disrupt it are likely to be disease-causing. For these reasons, this variant has been classified as Pathogenic.

Literature cited by the submitters: PubMed 32671420.